The following is an entry in ClinVar:

NM_003482.4(KMT2D):c.13872G>A (p.Ser4624=)

Gene: KMT2D (lysine methyltransferase 2D; minus strand). Cytogenetic location: 12q13.12.
Variant type: single nucleotide variant.
Coding change: c.13872G>A on transcript NM_003482.4 (MANE Select); coding-DNA position 13872, G replaced by A.
Protein change: p.Ser4624=; no amino-acid change (serine 4624 retained).
Molecular consequence: synonymous variant.
Genome position (GRCh38, 1-based): chr12:49,030,407, C>T on the plus strand (G>A on the coding strand, the complement: KMT2D is on the minus strand). VCF-style: chr12-49030407-C-T. GRCh37 (hg19) VCF-style: chr12-49424190-C-T.
Other names: c.13872G>A (NM_003482.3).
Identifiers: ClinVar variation 1630595 (VCV001630595.9), dbSNP rs1440232605, ClinGen allele CA479706781.

ClinVar aggregate classification (germline): Conflicting classifications of pathogenicity. Review status: criteria provided, conflicting classifications (1 of 4 stars). 2 submissions from 2 submitters: Uncertain significance (1); Likely benign (1). Last evaluated 2025-07-24.

Conditions:
KMT2D-related disorder. Also called: KMT2D-Related Disorders.
Kabuki syndrome. Also called: NIIKAWA-KUROKI SYNDROME; Kabuki make-up syndrome. Identifiers: Orphanet 2322, MedGen C0796004, MONDO:0016512.

Allele frequency attached by ClinVar (database versions not stated): gnomAD exomes below 0.00001; TOPMed below 0.00001; gnomAD 0.00001.
gnomAD v4.1: 2 of 1,518,776 alleles (0.00013%); highest among the groups gnomAD compares: Non-Finnish European, 0.00018%; no homozygotes.

Submissions (2):

PreventionGenetics, part of Exact Sciences
Classification: Uncertain significance for KMT2D-related condition. Last evaluated: 2025-07-24. Review status: criteria provided, single submitter. Criteria: ACMG Guidelines, 2015. Collection method: clinical testing. Allele origin: germline.
Comment: The KMT2D c.13872G>A variant is not predicted to result in an amino acid change (p.=). This variant is predicted to alter splicing based on available splicing prediction programs (SpliceAI, Jaganathan et al. 2019. PubMed ID: 30661751). However, the use of computer prediction programs is not equivalent to functional evidence. To our knowledge, this variant has not been reported in the literature or in a large population database (gnomAD), indicating this variant is rare. This variant is reported as likely benign in ClinVar by one outside laboratory (Variation ID: 1630595). At this time, the clinical significance of this variant is uncertain due to the absence of conclusive functional and genetic evidence.

Labcorp Genetics (formerly Invitae), Labcorp
Classification: Likely benign for Kabuki syndrome. Last evaluated: 2023-09-10. Review status: criteria provided, single submitter. Criteria: Invitae Variant Classification Sherloc (09022015). Collection method: clinical testing. Allele origin: germline.